The following is an entry in ClinVar:

NM_005357.4(LIPE):c.1831C>T (p.Arg611Cys)

Genes: LIPE (lipase E, hormone sensitive type; minus strand), LIPE-AS1 (LIPE antisense RNA 1; plus strand), LOC101930071 (uncharacterized LOC101930071; plus strand). Cytogenetic location: 19q13.2.
Variant type: single nucleotide variant.
Coding change: c.1831C>T on transcript NM_005357.4 (MANE Select); coding-DNA position 1831, C replaced by T.
Protein change: p.Arg611Cys; replaces arginine 611 with cysteine.
Molecular consequence: missense variant.
Genome position (GRCh38, 1-based): chr19:42,407,617, G>A on the plus strand (C>T on the coding strand, the complement: LIPE is on the minus strand). VCF-style: chr19-42407617-G-A. GRCh37 (hg19) VCF-style: chr19-42911769-G-A.
Other names: p.Arg611Cys; c.961C>T, p.Arg321Cys (NM_001416106.1, NM_001416102.1); c.472C>T, p.Arg158Cys (NM_001416107.1); c.190C>T, p.Arg64Cys (NM_001416108.1); c.1831C>T (NM_005357.3); c.1081C>T, p.Arg361Cys (NM_001416100.1); c.1066C>T, p.Arg356Cys (NM_001416101.1, NM_001416105.1); c.928C>T, p.Arg310Cys (NM_001416103.1, NM_001416104.1); short protein forms R158C, R310C, R321C, R356C, R361C, R611C, R64C.
Identifiers: ClinVar variation 2430297 (VCV002430297.6), dbSNP rs34052647, ClinGen allele CA9476907.

ClinVar aggregate classification (germline): Benign. Review status: criteria provided, multiple submitters, no conflicts (2 of 4 stars). 4 submissions from 4 submitters: Benign (3). 1 of the submissions does not count toward it. Last evaluated 2024-01-16.

Conditions:
LIPE-related disorder. Also called: LIPE-related condition.

Allele frequency attached by ClinVar (database versions not stated): ESP Exome Variant Server 0.00108; gnomAD 0.00679; TOPMed 0.01030; ExAC 0.01131; 1000 Genomes Project 30x 0.02155; 1000 Genomes Project 0.02276.
gnomAD v4.1: 6,664 of 1,608,150 alleles (0.41%); highest among the groups gnomAD compares: East Asian, 6.2%; 197 homozygotes.

Submissions (4):

Dasa
Classification: Benign. Last evaluated: 2024-01-16. Review status: criteria provided, single submitter. Criteria: DASA Assertion Criteria. Collection method: clinical testing. Allele origin: germline.
Comment: NM_005357.4(LIPE):c.1831C>T (p.Arg611Cys) is interpreted as benign based on a combination of available evidence, which may include population frequency, observations in unaffected individuals, intact protein function, lack of segregation with disease, in silico models, amino acid conservation, lack of disease association in case-control studies, and/or inconsistency with the known disease mechanism or impacted region. Based on the available data, this variant is classified as benign.

Mayo Clinic Laboratories, Mayo Clinic
Classification: Benign. Last evaluated: 2023-08-29. Review status: criteria provided, single submitter. Criteria: ACMG Guidelines, 2015. Collection method: clinical testing. Allele origin: germline. Observed: 4 variant alleles.
Comment: BA1

Centre of Medical Genetics, University Hospital Muenster
Classification: Benign. Last evaluated: 2022-12-21. Review status: criteria provided, single submitter. Criteria: ACMG Guidelines, 2015. Collection method: clinical testing. Allele origin: unknown. Affected: yes. Observed: 1 variant allele, 1 heterozygote.
Comment: ACMG categories: BA1

PreventionGenetics, part of Exact Sciences
Classification: Benign for LIPE-related condition. Last evaluated: 2019-09-26. Review status: no assertion criteria provided. Collection method: clinical testing. Allele origin: germline. Not counted in ClinVar's aggregate classification.
Comment: This variant is classified as benign based on ACMG/AMP sequence variant interpretation guidelines (Richards et al. 2015 PMID: 25741868, with internal and published modifications).